The following is an entry in ClinVar:

ClinVar aggregate classification (germline): Pathogenic. Review status: criteria provided, multiple submitters, no conflicts (2 of 4 stars). 3 submissions from 3 submitters: Pathogenic (3). Last evaluated 2025-06-23.

Conditions:
Mitochondrial trifunctional protein deficiency. Identifiers: Orphanet 746, MedGen C1969443, MONDO:0012172.
Long chain 3-hydroxyacyl-CoA dehydrogenase deficiency. Also called: LCHAD Deficiency; Deficiency of long-chain 3-hydroxyacyl-coenzyme A dehydrogenase. Identifiers: Orphanet 5, MedGen C3711645, MONDO:0012173, OMIM 609016.

Submissions (3):

Women's Health and Genetics/Laboratory Corporation of America, LabCorp
Classification: Pathogenic for Long chain 3-hydroxyacyl-CoA dehydrogenase deficiency. Last evaluated: 2025-06-23. Review status: criteria provided, single submitter. Criteria: LabCorp Variant Classification Summary - May 2015. Collection method: clinical testing. Allele origin: germline.
Comment: Variant summary: HADHA c.469C>T (p.Gln157X) results in a premature termination codon, predicted to cause a truncation of the encoded protein or absence of the protein due to nonsense mediated decay, which are commonly known mechanisms for disease. The variant was absent in 251146 control chromosomes. To our knowledge, no occurrence of c.469C>T in individuals affected with Long Chain 3-Hydroxyacyl-CoA Dehydrogenase Deficiency and no experimental evidence demonstrating its impact on protein function have been reported. ClinVar contains an entry for this variant (Variation ID: 2107593). Based on the evidence outlined above, the variant was classified as pathogenic.

Myriad Genetics, Inc.
Classification: Pathogenic for Long chain 3-hydroxyacyl-CoA dehydrogenase deficiency. Last evaluated: 2024-02-23. Review status: criteria provided, single submitter. Criteria: Myriad Autosomal Dominant, Autosomal Recessive and X-Linked Classification Criteria (2023). Collection method: clinical testing. Allele origin: unknown.
Comment: NM_000182.4(HADHA):c.469C>T(Q157*) is expected to be pathogenic in the context of HADHA-related disorders. This variant is predicted to lead to an abnormal or absent protein product due to the creation of a premature termination codon in HADHA, a gene where loss-of-function variants are known to be pathogenic. Please note: this variant was assessed in the context of healthy population screening.

Labcorp Genetics (formerly Invitae), Labcorp
Classification: Pathogenic for Mitochondrial trifunctional protein deficiency; Long chain 3-hydroxyacyl-CoA dehydrogenase deficiency. Last evaluated: 2022-03-08. Review status: criteria provided, single submitter. Criteria: Invitae Variant Classification Sherloc (09022015). Collection method: clinical testing. Allele origin: germline.
Comment: For these reasons, this variant has been classified as Pathogenic. This variant has not been reported in the literature in individuals affected with HADHA-related conditions. This variant is not present in population databases (gnomAD no frequency). This sequence change creates a premature translational stop signal (p.Gln157*) in the HADHA gene. It is expected to result in an absent or disrupted protein product. Loss-of-function variants in HADHA are known to be pathogenic (PMID: 7738175, 21103935, 21549624, 22459206).

Literature cited by the submitters: PubMed 7738175 (cited by Labcorp Genetics (formerly Invitae), Labcorp); PubMed 21103935 (cited by Labcorp Genetics (formerly Invitae), Labcorp); PubMed 21549624 (cited by Labcorp Genetics (formerly Invitae), Labcorp); PubMed 22459206 (cited by Labcorp Genetics (formerly Invitae), Labcorp).

NM_000182.5(HADHA):c.469C>T (p.Gln157Ter)

Gene: HADHA (hydroxyacyl-CoA dehydrogenase trifunctional multienzyme complex subunit alpha; minus strand). Cytogenetic location: 2p23.3.
Variant type: single nucleotide variant.
Coding change: c.469C>T on transcript NM_000182.5 (MANE Select); coding-DNA position 469, C replaced by T.
Protein change: p.Gln157Ter; replaces glutamine 157 with a stop codon.
Molecular consequence: nonsense.
Genome position (GRCh38, 1-based): chr2:26,232,264, G>A on the plus strand (C>T on the coding strand, the complement: HADHA is on the minus strand). VCF-style: chr2-26232264-G-A. GRCh37 (hg19) VCF-style: chr2-26455132-G-A.
Other names: short protein forms Q157*.
Identifiers: ClinVar variation 2107593 (VCV002107593.6), dbSNP rs2465596090, ClinGen allele CA346093319.